The following is an entry in ClinVar:

NM_000170.3(GLDC):c.2920C>T (p.Pro974Ser)

Gene: GLDC (glycine decarboxylase; minus strand). Cytogenetic location: 9p24.1.
Variant type: single nucleotide variant.
Coding change: c.2920C>T on transcript NM_000170.3 (MANE Select); coding-DNA position 2920, C replaced by T.
Protein change: p.Pro974Ser; replaces proline 974 with serine.
Molecular consequence: missense variant.
Genome position (GRCh38, 1-based): chr9:6,533,160, G>A on the plus strand (C>T on the coding strand, the complement: GLDC is on the minus strand). VCF-style: chr9-6533160-G-A. GRCh37 (hg19) VCF-style: chr9-6533160-G-A.
Other names: short protein forms P974S.
Identifiers: ClinVar variation 1512717 (VCV001512717.5), dbSNP rs949553434, ClinGen allele CA188643323.

ClinVar aggregate classification (germline): Uncertain significance (1 of 4 stars; one submission).

Conditions:
Glycine encephalopathy. Also called: Nonketotic hyperglycinemia; Non-ketotic hyperglycinemia. Identifiers: Orphanet 407, MedGen C0751748, MONDO:0011612, HP:0008288.

Allele frequency attached by ClinVar (database versions not stated): gnomAD exomes below 0.00001.
gnomAD v4.1: 5 of 1,613,444 alleles (0.00031%); highest among the groups gnomAD compares: East Asian, 0.0022%; no homozygotes.

Submission:

Labcorp Genetics (formerly Invitae), Labcorp
Classification: Uncertain significance for Glycine encephalopathy. Last evaluated: 2022-08-15. Review status: criteria provided, single submitter. Criteria: Invitae Variant Classification Sherloc (09022015). Collection method: clinical testing. Allele origin: germline.
Comment: This sequence change replaces proline, which is neutral and non-polar, with serine, which is neutral and polar, at codon 974 of the GLDC protein (p.Pro974Ser). This variant is present in population databases (no rsID available, gnomAD 0.006%). This variant has not been reported in the literature in individuals affected with GLDC-related conditions. ClinVar contains an entry for this variant (Variation ID: 1512717). Algorithms developed to predict the effect of missense changes on protein structure and function (SIFT, PolyPhen-2, Align-GVGD) all suggest that this variant is likely to be tolerated. In summary, the available evidence is currently insufficient to determine the role of this variant in disease. Therefore, it has been classified as a Variant of Uncertain Significance.